The following is an entry in ClinVar:

ClinVar aggregate classification (germline): Uncertain significance (1 of 4 stars; one submission).

Conditions:
Hereditary cancer-predisposing syndrome. Also called: Hereditary Cancer Syndrome; Tumor predisposition; Hereditary neoplastic syndrome; Neoplastic Syndromes, Hereditary. Identifiers: Orphanet 140162, MedGen C0027672, MeSH D009386, MONDO:0015356.
Cardiovascular phenotype. Identifiers: MedGen CN230736.

gnomAD v4.1: 1 of 1,613,990 alleles (0.000062%); highest among the groups gnomAD compares: African/African-American, 0.0013%; no homozygotes.

Submission:

Ambry Genetics
Classification: Uncertain significance for Cardiovascular phenotype; Hereditary cancer-predisposing syndrome. Last evaluated: 2024-10-01. Review status: criteria provided, single submitter. Criteria: Ambry Variant Classification Scheme 2023. Collection method: clinical testing. Allele origin: germline.
Comment: The p.K395R variant (also known as c.1184A>G), located in coding exon 10 of the NF1 gene, results from an A to G substitution at nucleotide position 1184. The lysine at codon 395 is replaced by arginine, an amino acid with highly similar properties. This amino acid position is highly conserved in available vertebrate species. In addition, the in silico prediction for this alteration is inconclusive. Based on the available evidence, the clinical significance of this variant remains unclear.

NM_001042492.3(NF1):c.1184A>G (p.Lys395Arg)

Gene: NF1 (neurofibromin 1; plus strand). Cytogenetic location: 17q11.2.
Variant type: single nucleotide variant.
Coding change: c.1184A>G on transcript NM_001042492.3 (MANE Select); coding-DNA position 1184, A replaced by G.
Protein change: p.Lys395Arg; replaces lysine 395 with arginine.
Molecular consequence: missense variant.
Genome position (GRCh38, 1-based): chr17:31,201,158, A>G. VCF-style: chr17-31201158-A-G. GRCh37 (hg19) VCF-style: chr17-29528176-A-G.
Other names: c.1184A>G, p.Lys395Arg (NM_000267.4, NM_001128147.3); short protein forms K395R.
Identifiers: ClinVar variation 3404746 (VCV003404746.1).
Genomic context (GRCh38, chr17:31,201,158, plus strand): 5'-TAATGATTGACTGCCTTGTTTCTTGCTTTCGTATAAGCCCTCACAACAACCAACACTTTA[A>G]GGTGAGAGCATTGGTTTTTATCTAACTATATTTACTGATGCTGTTATCCTTTATAAACAA-3'
Protein context (NP_001035957.1, residues 385-405): RISPHNNQHF[Lys395Arg]ICLAQNSPST